The following is an entry in ClinVar:

NM_000320.3(QDPR):c.55A>T (p.Arg19Trp)

Genes: QDPR (quinoid dihydropteridine reductase; minus strand), LOC129992304 (ATAC-STARR-seq lymphoblastoid silent region 15310; plus strand). Cytogenetic location: 4p15.32.
Variant type: single nucleotide variant.
Coding change: c.55A>T on transcript NM_000320.3 (MANE Select); coding-DNA position 55, A replaced by T.
Protein change: p.Arg19Trp; replaces arginine 19 with tryptophan.
Molecular consequence: missense variant. On other transcripts: non-coding transcript variant (1).
Genome position (GRCh38, 1-based): chr4:17,512,000, T>A on the plus strand (A>T on the coding strand, the complement: QDPR is on the minus strand). VCF-style: chr4-17512000-T-A. GRCh37 (hg19) VCF-style: chr4-17513623-T-A.
Other names: c.55A>T, p.Arg19Trp (NM_001306140.2); short protein forms R19W.
Identifiers: ClinVar variation 1008716 (VCV001008716.6), dbSNP rs1431359277, ClinGen allele CA356454391.
Genomic context (GRCh38, chr4:17,512,000, plus strand): 5'-GCAGCATTACCCAGTTGCGGGCCCGAAAAGCCTGCACGCATCGAGAACCCAGAGCGCCCC[T>A]GCCGCCGTACACCAGCACCCGGCGCGCCTCGCCTGCAGCCGCCGCCGCCGCCATCCTGCT-3'
Protein context (NP_000311.2, residues 9-29): EARRVLVYGG[Arg19Trp]GALGSRCVQA

ClinVar aggregate classification (germline): Uncertain significance (1 of 4 stars; one submission).

Conditions:
Dihydropteridine reductase deficiency (HPABH4C). Also called: DHPR DEFICIENCY; BH4-Deficient Hyperphenylalaninemia C; Phenylketonuria II; QDPR DEFICIENCY; QUINOID DIHYDROPTERIDINE REDUCTASE DEFICIENCY; HYPERPHENYLALANINEMIA, TETRAHYDROBIOPTERIN-DEFICIENT, DUE TO DHPR DEFICIENCY. Identifiers: Orphanet 226, Orphanet 238583, MedGen C0268465, MONDO:0009862, OMIM 261630.

Allele frequency attached by ClinVar (database versions not stated): gnomAD exomes 0.00001.
gnomAD v4.1: 19 of 1,609,610 alleles (0.0012%); highest among the groups gnomAD compares: East Asian, 0.0022%; no homozygotes.

Submission:

Labcorp Genetics (formerly Invitae), Labcorp
Classification: Uncertain significance for Dihydropteridine reductase deficiency. Last evaluated: 2021-08-27. Review status: criteria provided, single submitter. Criteria: Invitae Variant Classification Sherloc (09022015). Collection method: clinical testing. Allele origin: germline.
Comment: This sequence change replaces arginine with tryptophan at codon 19 of the QDPR protein (p.Arg19Trp). The arginine residue is moderately conserved and there is a moderate physicochemical difference between arginine and tryptophan. This variant is not present in population databases (ExAC no frequency). This variant has not been reported in the literature in individuals affected with QDPR-related conditions. Algorithms developed to predict the effect of missense changes on protein structure and function are either unavailable or do not agree on the potential impact of this missense change (SIFT: "Deleterious"; PolyPhen-2: "Probably Damaging"; Align-GVGD: "Class C0"). In summary, the available evidence is currently insufficient to determine the role of this variant in disease. Therefore, it has been classified as a Variant of Uncertain Significance.